The following is an entry in ClinVar:

NM_004260.4(RECQL4):c.697G>A (p.Gly233Ser)

Gene: RECQL4 (RecQ like helicase 4; minus strand). Cytogenetic location: 8q24.3.
Variant type: single nucleotide variant.
Coding change: c.697G>A on transcript NM_004260.4 (MANE Select); coding-DNA position 697, G replaced by A.
Protein change: p.Gly233Ser; replaces glycine 233 with serine.
Molecular consequence: missense variant. On other transcripts: 5 prime UTR variant (15), non-coding transcript variant (3), intron variant (3).
Genome position (GRCh38, 1-based): chr8:144,516,422, C>T on the plus strand (G>A on the coding strand, the complement: RECQL4 is on the minus strand). VCF-style: chr8-144516422-C-T. GRCh37 (hg19) VCF-style: chr8-145741806-C-T.
Other names: c.697G>A, p.Gly233Ser (NM_001413017.1, NM_001413018.1, NM_001413019.1 and 4 more transcripts); c.-375G>A (NM_001413022.1, NM_001413023.1, NM_001413024.1 and 5 more transcripts); c.568G>A, p.Gly190Ser (NM_001413025.1); c.-437G>A (NM_001413027.1, NM_001413030.1, NM_001413031.1 and 2 more transcripts); c.-279G>A (NM_001413034.1); c.-644G>A (NM_001413043.1); c.355-9G>A (NM_001413029.1); c.-366-9G>A (NM_001413021.1, NM_001413028.1); short protein forms G190S, G233S.
Identifiers: ClinVar variation 4841560 (VCV004841560.1).
Genomic context (GRCh38, chr8:144,516,422, plus strand): 5'-GGGGGCTCCCCACACGGATGCTGACTTCTTGGAAGGCTGAAGCCTCTGGGCCCTGGGAGC[C>T]AGCACCAGGACCAAGGACAGCCGACTCACCAGGGATCAGAAGTTGTGATTCCTCTGAGCC-3'
Protein context (NP_004251.4, residues 223-243): GESAVLGPGA[Gly233Ser]SQGPEASAFQ

ClinVar aggregate classification (germline): Uncertain significance (1 of 4 stars; one submission).

Conditions:
Inborn genetic diseases. Identifiers: MedGen C0950123, MeSH D030342.

gnomAD v4.1: 1 of 1,609,210 alleles (0.000062%); no homozygotes.

Submission:

Ambry Genetics
Classification: Uncertain significance for Inborn genetic diseases. Last evaluated: 2025-12-20. Review status: criteria provided, single submitter. Criteria: Ambry Variant Classification Scheme 2023. Collection method: clinical testing. Allele origin: germline.
Comment: The p.G233S variant (also known as c.697G>A), located in coding exon 5 of the RECQL4 gene, results from a G to A substitution at nucleotide position 697. The glycine at codon 233 is replaced by serine, an amino acid with similar properties. This amino acid position is conserved. In addition, this alteration is predicted to be tolerated by in silico analysis. Based on the available evidence, the clinical significance of this variant remains unclear.